The following is an entry in ClinVar:

ClinVar aggregate classification (germline): Benign (1 of 4 stars; one submission).

Allele frequency attached by ClinVar (database versions not stated): 1000 Genomes Project 0.01977; TOPMed 0.02023; 1000 Genomes Project 30x 0.02139.
gnomAD v4.1: 2,606 of 152,070 alleles (1.7%); highest among the groups gnomAD compares: African/African-American, 5.8%; 74 homozygotes.

Submission:

GeneDx
Classification: Benign. Last evaluated: 2018-06-18. Review status: criteria provided, single submitter. Criteria: GeneDx Variant Classification (06012015). Collection method: clinical testing. Allele origin: germline. Affected: yes.
Comment: This variant is considered likely benign or benign based on one or more of the following criteria: it is a conservative change, it occurs at a poorly conserved position in the protein, it is predicted to be benign by multiple in silico algorithms, and/or has population frequency not consistent with disease.

NM_000245.4(MET):c.3523-241C>T

Gene: MET (MET proto-oncogene, receptor tyrosine kinase; plus strand). Cytogenetic location: 7q31.2.
Variant type: single nucleotide variant.
Coding change: c.3523-241C>T on transcript NM_000245.4 (MANE Select); 241 bases into the intron before coding-DNA position 3523, C replaced by T.
Molecular consequence: intron variant.
Genome position (GRCh38, 1-based): chr7:116,781,747, C>T. VCF-style: chr7-116781747-C-T. GRCh37 (hg19) VCF-style: chr7-116421801-C-T.
Other names: c.3577-241C>T (NM_001127500.3); c.2233-241C>T (NM_001324402.2).
Identifiers: ClinVar variation 676936 (VCV000676936.1), dbSNP rs73471130, ClinGen allele CA164910299.